The following is an entry in ClinVar:

NM_017950.4(CCDC40):c.2832+364C>G

Gene: CCDC40 (coiled-coil domain 40 molecular ruler complex subunit; plus strand). Cytogenetic location: 17q25.3.
Variant type: single nucleotide variant.
Coding change: c.2832+364C>G on transcript NM_017950.4 (MANE Select); 364 bases into the intron after coding-DNA position 2832, C replaced by G.
Molecular consequence: intron variant. On other transcripts: missense variant (1).
Genome position (GRCh38, 1-based): chr17:80,090,248, C>G. VCF-style: chr17-80090248-C-G. GRCh37 (hg19) VCF-style: chr17-78064047-C-G.
Other names: c.2942C>G, p.Thr981Arg (NM_001243342.2); short protein forms T981R.
Identifiers: ClinVar variation 4533619 (VCV004533619.6).
Genomic context (GRCh38, chr17:80,090,248, plus strand): 5'-ACGGGACGCACGCAGGCACGTGCACGAAGAACACGGGACGCGCGCAGGCACGTGCACGAA[C>G]AACACGGGACGCGCGCGGGCACGTGCACGAACAACACGGGACGCGCGCAGGCACGTGCAC-3'

ClinVar aggregate classification (germline): Likely benign (1 of 4 stars; one submission).

gnomAD v4.1: 233 of 866,416 alleles (0.027%); highest among the groups gnomAD compares: African/African-American, 0.3%; 14 homozygotes.

Submission:

CeGaT Center for Human Genetics Tuebingen
Classification: Likely benign. Last evaluated: 2025-11-01. Review status: criteria provided, single submitter. Criteria: CeGaT Center For Human Genetics Tuebingen Variant Classification Criteria Version 2. Collection method: clinical testing. Allele origin: germline. Affected: yes. Observed: 1 variant allele.
Comment: CCDC40: BP4, BS2